The following is an entry in ClinVar:

ClinVar aggregate classification (germline): Uncertain significance (1 of 4 stars; one submission).

Submission:

Ambry Genetics
Classification: Uncertain significance. Last evaluated: 2024-04-19. Review status: criteria provided, single submitter. Criteria: Ambry Variant Classification Scheme 2023. Collection method: clinical testing. Allele origin: germline.
Comment: The p.A152D variant (also known as c.455C>A), located in coding exon 1 of the TERF2IP gene, results from a C to A substitution at nucleotide position 455. The alanine at codon 152 is replaced by aspartic acid, an amino acid with dissimilar properties. This amino acid position is conserved. In addition, this alteration is predicted to be tolerated by in silico analysis. Based on the available evidence, the clinical significance of this variant remains unclear.

NM_018975.4(TERF2IP):c.455C>A (p.Ala152Asp)

Gene: TERF2IP (TERF2 interacting protein; plus strand). Cytogenetic location: 16q23.1.
Variant type: single nucleotide variant.
Coding change: c.455C>A on transcript NM_018975.4 (MANE Select); coding-DNA position 455, C replaced by A.
Protein change: p.Ala152Asp; replaces alanine 152 with aspartic acid.
Molecular consequence: missense variant. On other transcripts: non-coding transcript variant (1).
Genome position (GRCh38, 1-based): chr16:75,648,337, C>A. VCF-style: chr16-75648337-C-A. GRCh37 (hg19) VCF-style: chr16-75682235-C-A.
Other names: short protein forms A152D.
Identifiers: ClinVar variation 3325454 (VCV003325454.1).